The following is an entry in ClinVar:

ClinVar aggregate classification (germline): Benign (1 of 4 stars; one submission).

Allele frequency attached by ClinVar (database versions not stated): 1000 Genomes Project 0.30551; 1000 Genomes Project 30x 0.31309; gnomAD 0.38818 and 0.39585; TOPMed 0.40607; gnomAD exomes 0.42475.
gnomAD v4.1: 221,763 of 534,482 alleles (41%); highest among the groups gnomAD compares: Admixed American, 48%; 48,811 homozygotes.

Submission:

GeneDx
Classification: Benign. Last evaluated: 2018-06-14. Review status: criteria provided, single submitter. Criteria: GeneDx Variant Classification (06012015). Collection method: clinical testing. Allele origin: germline. Affected: yes.
Comment: This variant is considered likely benign or benign based on one or more of the following criteria: it is a conservative change, it occurs at a poorly conserved position in the protein, it is predicted to be benign by multiple in silico algorithms, and/or has population frequency not consistent with disease.

NM_006073.4(TRDN):c.1420+84T>C

Gene: TRDN (triadin; minus strand). Cytogenetic location: 6q22.31.
Variant type: single nucleotide variant.
Coding change: c.1420+84T>C on transcript NM_006073.4 (MANE Select); 84 bases into the intron after coding-DNA position 1420, T replaced by C.
Molecular consequence: intron variant.
Genome position (GRCh38, 1-based): chr6:123,337,535, A>G on the plus strand (T>C on the coding strand, the complement: TRDN is on the minus strand). VCF-style: chr6-123337535-A-G. GRCh37 (hg19) VCF-style: chr6-123658680-A-G.
Identifiers: ClinVar variation 674818 (VCV000674818.1), dbSNP rs12216080, ClinGen allele CA147247727.
Genomic context (GRCh38, chr6:123,337,535, plus strand): 5'-AAACACAAGTTTTTAAAAATATGTGTGTGACCTCTGCAGTTCTGGTTTACATATTTGCAA[A>G]GGGGATGCAGCTAATGTACTGTGTTCTCAATAATATATATTTCCTAATAAATTTGTAATA-3'